The following is an entry in ClinVar:

NM_007294.4(BRCA1):c.864C>A (p.Ser288Arg)

Gene: BRCA1 (BRCA1 DNA repair associated; minus strand). Cytogenetic location: 17q21.31.
Variant type: single nucleotide variant.
Coding change: c.864C>A on transcript NM_007294.4 (MANE Select); coding-DNA position 864, C replaced by A.
Protein change: p.Ser288Arg; replaces serine 288 with arginine.
Molecular consequence: missense variant. On other transcripts: intron variant (137), 5 prime UTR variant (2).
Genome position (GRCh38, 1-based): chr17:43,094,667, G>T on the plus strand (C>A on the coding strand, the complement: BRCA1 is on the minus strand). VCF-style: chr17-43094667-G-T. GRCh37 (hg19) VCF-style: chr17-41246684-G-T.
Other names: c.451+77C>A (NM_001408508.1, NM_001408509.1); c.574+77C>A (NM_001408491.1, NM_001408493.1, NM_001408490.1); c.460+1179C>A (NM_001408506.1, NM_001408507.1); c.577+77C>A (NM_001408481.1, NM_001408480.1, NM_001408492.1 and 9 more transcripts); c.778+77C>A (NM_001408408.1); c.661+77C>A (NM_001408446.1, NM_001408435.1, NM_001408448.1 and 6 more transcripts); c.784+77C>A (NM_001408401.1, NM_001408396.1, NM_001407985.1 and 13 more transcripts); c.548-3635C>A (NM_001408494.1); and 40 more; short protein forms S120R, S160R, S161R, S176R, S177R, S199R, S200R, S217R.
Identifiers: ClinVar variation 4856558 (VCV004856558.1).

ClinVar aggregate classification (germline): Likely benign (1 of 4 stars; one submission).

Conditions:
Breast-ovarian cancer, familial, susceptibility to, 1 (BROVCA1). Also called: OVARIAN CANCER, SUSCEPTIBILITY TO; BRCA1 Hereditary Breast and Ovarian Cancer. Identifiers: Orphanet 145, MedGen C2676676, MONDO:0011450, OMIM 604370. Disease mechanism: loss of function.

gnomAD v4.1: 1 of 1,613,984 alleles (0.000062%); highest among the groups gnomAD compares: Non-Finnish European, 0.000085%; no homozygotes.

Submission:

Cancer Bioinformatics and Tumour Evolution Laboratory, Monash University
Classification: Likely benign for Breast-ovarian cancer, familial, susceptibility to, 1. Last evaluated: 2026-05-01. Review status: criteria provided, single submitter. Criteria: ClinGen BRCA1 and BRCA2 Guidelines, 2024. Collection method: curation. Allele origin: germline. Inheritance: Autosomal dominant inheritance.
Comment: Missense variant outside of a functional domain with no splice impact. BRCA1 and BRCA2 VCEP guidelines recommend application of BP1_Strong (PMID: 39142283)